The following is an entry in ClinVar:

NM_001282531.3(ADNP):c.2431T>C (p.Cys811Arg)

Gene: ADNP (activity dependent neuroprotector homeobox; minus strand). Cytogenetic location: 20q13.13.
Variant type: single nucleotide variant.
Coding change: c.2431T>C on transcript NM_001282531.3 (MANE Select); coding-DNA position 2431, T replaced by C.
Protein change: p.Cys811Arg; replaces cysteine 811 with arginine.
Molecular consequence: missense variant.
Genome position (GRCh38, 1-based): chr20:50,892,283, A>G on the plus strand (T>C on the coding strand, the complement: ADNP is on the minus strand). VCF-style: chr20-50892283-A-G. GRCh37 (hg19) VCF-style: chr20-49508820-A-G.
Other names: c.2431T>C, p.Cys811Arg (NM_001282532.2, NM_001347511.2, NM_015339.5 and 1 more transcripts); c.2647T>C, p.Cys883Arg (NM_001439000.1); c.1747T>C, p.Cys583Arg (NM_001439001.1); short protein forms C583R, C811R, C883R.
Identifiers: ClinVar variation 4082813 (VCV004082813.1).

ClinVar aggregate classification (germline): Uncertain significance (1 of 4 stars; one submission).

Submission:

GeneDx
Classification: Uncertain significance. Last evaluated: 2025-03-06. Review status: criteria provided, single submitter. Criteria: GeneDx Variant Classification Process June 2021. Collection method: clinical testing. Allele origin: germline. Affected: yes.
Comment: Not observed at significant frequency in large population cohorts (gnomAD); In silico analysis supports that this missense variant has a deleterious effect on protein structure/function; Has not been previously published as pathogenic or benign to our knowledge